The following is an entry in ClinVar:

ClinVar aggregate classification (germline): Uncertain significance. Review status: criteria provided, multiple submitters, no conflicts (2 of 4 stars). 2 submissions from 2 submitters: Uncertain significance (2). Last evaluated 2024-05-15.

Conditions:
Developmental and epileptic encephalopathy, 12 (DEE12). Identifiers: MedGen C3150988, MONDO:0013389, OMIM 613722.

Submissions (2):

Laboratorio de Genetica e Diagnostico Molecular, Hospital Israelita Albert Einstein
Classification: Uncertain significance for Developmental and epileptic encephalopathy, 12. Last evaluated: 2024-05-15. Review status: criteria provided, single submitter. Criteria: ACMG Guidelines, 2015. Collection method: clinical testing. Allele origin: germline. Affected: yes.
Comment: ACMG classification criteria: PM2 supporting, PP2 supporting, BP4 supporting

Labcorp Genetics (formerly Invitae), Labcorp
Classification: Uncertain significance for Developmental and epileptic encephalopathy, 12. Last evaluated: 2022-06-09. Review status: criteria provided, single submitter. Criteria: Invitae Variant Classification Sherloc (09022015). Collection method: clinical testing. Allele origin: germline.
Comment: Algorithms developed to predict the effect of missense changes on protein structure and function (SIFT, PolyPhen-2, Align-GVGD) all suggest that this variant is likely to be tolerated. In summary, the available evidence is currently insufficient to determine the role of this variant in disease. Therefore, it has been classified as a Variant of Uncertain Significance. This variant has not been reported in the literature in individuals affected with PLCB1-related conditions. This variant is not present in population databases (gnomAD no frequency). This sequence change replaces methionine, which is neutral and non-polar, with valine, which is neutral and non-polar, at codon 1091 of the PLCB1 protein (p.Met1091Val).

NM_015192.4(PLCB1):c.3271A>G (p.Met1091Val)

Gene: PLCB1 (phospholipase C beta 1; plus strand). Cytogenetic location: 20p12.3.
Variant type: single nucleotide variant.
Coding change: c.3271A>G on transcript NM_015192.4 (MANE Select); coding-DNA position 3271, A replaced by G.
Protein change: p.Met1091Val; replaces methionine 1091 with valine.
Molecular consequence: missense variant.
Genome position (GRCh38, 1-based): chr20:8,788,715, A>G. VCF-style: chr20-8788715-A-G. GRCh37 (hg19) VCF-style: chr20-8769362-A-G.
Other names: c.3271A>G, p.Met1091Val (NM_182734.3); short protein forms M1091V.
Identifiers: ClinVar variation 2077217 (VCV002077217.5), dbSNP rs1555790711, ClinGen allele CA408209824.
Genomic context (GRCh38, chr20:8,788,715, plus strand): 5'-AAAATGGATAAAAAGAGGCAGGAGAAGATAACAGAAGCTAAATCCAAAGACAAAAGTCAG[A>G]TGGAAGAGTAAGTCAAAAGTGTCCCCTCTCCCAAACAGTTCATCTGGGAATTATTTTATT-3'
Protein context (NP_056007.1, residues 1081-1101): TEAKSKDKSQ[Met1091Val]EEEKTEMIRS